The following is an entry in ClinVar:

ClinVar aggregate classification (germline): Uncertain significance (1 of 4 stars; one submission).

Submission:

Laboratory for Molecular Medicine, Mass General Brigham Personalized Medicine
Classification: Uncertain significance. Last evaluated: 2020-01-16. Review status: criteria provided, single submitter. Criteria: LMM Criteria. Collection method: clinical testing. Allele origin: germline. Observed: 1 variant allele.
Comment: The c.7595-2140G>C variant in USH2A has not been previously reported in individuals with hearing loss and was absent from large population studies. In summary, the clinical significance of this variant is uncertain. ACMG/AMP Criteria applied: PM2.

NM_206933.4(USH2A):c.7595-2140G>C

Gene: USH2A (usherin; minus strand). Cytogenetic location: 1q41.
Variant type: single nucleotide variant.
Coding change: c.7595-2140G>C on transcript NM_206933.4 (MANE Select); 2140 bases into the intron before coding-DNA position 7595, G replaced by C.
Molecular consequence: intron variant.
Genome position (GRCh38, 1-based): chr1:215,891,194, C>G on the plus strand (G>C on the coding strand, the complement: USH2A is on the minus strand). VCF-style: chr1-215891194-C-G. GRCh37 (hg19) VCF-style: chr1-216064536-C-G.
Identifiers: ClinVar variation 929932 (VCV000929932.4), dbSNP rs1665201229, ClinGen allele CA1139656557.